The following is an entry in ClinVar:

GRCh38/hg38 19q13.42(chr19:54106667-54131817)x1

Genes: NDUFA3 (NADH:ubiquinone oxidoreductase subunit A3; plus strand), PRPF31 (pre-mRNA processing factor 31; plus strand), PRPF31-AS1 (PRPF31 antisense RNA 1; minus strand), TFPT (TCF3 fusion partner; minus strand). Cytogenetic location: 19q13.42.
Variant type: copy number loss.
Change: copy number 1 (one copy instead of two) of chr19:54,106,667-54,131,817 (25.2 kb, GRCh38 coordinates, 1-based), cytogenetic band 19q13.42.
Identifiers: ClinVar variation 2579241 (VCV002579241.1).

ClinVar aggregate classification (germline): Pathogenic (1 of 4 stars; one submission).

Conditions:
Retinitis pigmentosa 11 (RP11). Identifiers: Orphanet 791, MedGen C1838601, MONDO:0010828, OMIM 600138.

Submission:

Broad Center for Mendelian Genomics, Broad Institute of MIT and Harvard
Classification: Pathogenic for Retinitis pigmentosa 11. Last evaluated: 2023-08-24. Review status: criteria provided, single submitter. Criteria: ACMG/ClinGen CNV Guidelines, 2019. Collection method: research. Allele origin: unknown. Inheritance: Autosomal dominant inheritance. Affected: yes.
Comment: A heterozygous deletion of 9 genes, including PRPF31, was identified by exome sequencing in one individual with retinitis pigmentosa ([GRCh 38] chr19:54106667_54131817x1)(PMID: 34906470). The presence of this deletion was validated by ddPCR. These breakpoints have been estimated by exome sequencing only and therefore may not reflect the true breakpoints. Inheritance information is unavailable. The patient phenotype is nonspecific, but is consistent with cases described in the literature and/or published databases with overlapping variants. There is a deletion of the whole coding sequence of the PRPF31 gene, which is not known to be haploinsufficient, and has not been assessed by the ClinGen Dosage Sensitivity Working Group. Seventeen reported probands with retinitis pigmentosa from the literature (PMID: 29260190, 29957067, 22334370, 30543658) have a LoF variant in PRPF31. Three different LoF variants, p.E183fs, p.L268fs, and p.R345X, were found to segregate with disease in fourteen affected family members from three families in the literature (PMID: 29260190; Variation ID: 236425). Additionally, three reported probands from the literature with retinitis pigmentosa have a LoF variant in PRPF31. The variants reported are confirmed de novo and the reported phenotypes are nonspecific (PMID: 29957067, 22334370, 30543658). In summary, this variant meets criteria to be classified as pathogenic for autosomal dominant retinitis pigmentosa. The ACMG/ClinGen evidence codes and points used in this curation are as follows: 1: 0 points, 2: 0 points, 3: 0 points, 4-5: 1.0 points; Total: 1.0 points; Riggs 2020 (PMID: 31690835).

Literature cited by the submitters: PubMed 34906470; PubMed 29260190; PubMed 29957067; PubMed 22334370; PubMed 30543658.